The following is an entry in ClinVar:

NM_005120.3(MED12):c.6150GCA[8] (p.Gln2076_Tyr2077insGlnGln)

Gene: MED12 (mediator complex subunit 12; plus strand). Cytogenetic location: Xq13.1.
Variant type: Microsatellite.
Coding change: c.6150GCA[8] on transcript NM_005120.3 (MANE Select); eight copies in a row of the 3-base unit GCA starting at c.6150; the reference has six copies in a row; two copies, 6 bases duplicated.
Protein change: p.Gln2076_Tyr2077insGlnGln.
Molecular consequence: inframe insertion.
Genome position (GRCh38, 1-based): chrX:71,140,752-71,140,757, GCAGCA duplicated; duplicating any 6 consecutive bases within chrX:71,140,739-71,140,757 gives the same sequence; the position shown is the placement nearest the transcript's 3' end. VCF-style (leftmost placement, unchanged base first): chrX-71140738-G-GAGCAGC. GRCh37 (hg19) VCF-style: chrX-70360588-G-GAGCAGC.
Identifiers: ClinVar variation 4737416 (VCV004737416.1).

ClinVar aggregate classification (germline): Uncertain significance (1 of 4 stars; one submission).

Conditions:
FG syndrome (FGS). Identifiers: MedGen C0220769, MONDO:0002010.

Submission:

Labcorp Genetics (formerly Invitae), Labcorp
Classification: Uncertain significance for FG syndrome. Last evaluated: 2025-12-27. Review status: criteria provided, single submitter. Criteria: Invitae Variant Classification Sherloc (09022015). Collection method: clinical testing. Allele origin: germline.
Comment: This variant, c.6162_6167dup, results in the insertion of 2 amino acid(s) of the MED12 protein (p.Gln2075_Gln2076dup), but otherwise preserves the integrity of the reading frame. This variant is not present in population databases (gnomAD no frequency). This variant has not been reported in the literature in individuals affected with MED12-related conditions. In summary, the available evidence is currently insufficient to determine the role of this variant in disease. Therefore, it has been classified as a Variant of Uncertain Significance.